The following is an entry in ClinVar:

ClinVar aggregate classification (germline): Uncertain significance. Review status: criteria provided, multiple submitters, no conflicts (2 of 4 stars). 4 submissions from 4 submitters: Uncertain significance (4). Last evaluated 2025-03-19.

Conditions:
Short-rib thoracic dysplasia 14 with polydactyly (SRTD14). Identifiers: Orphanet 397715, MedGen C4225286, MONDO:0014688, OMIM 616546.
Joubert syndrome 23 (JBTS23). Identifiers: Orphanet 475, MedGen C4084822, MONDO:0014664, OMIM 616490.
Inborn genetic diseases. Identifiers: MedGen C0950123, MeSH D030342.

Allele frequency attached by ClinVar (database versions not stated): gnomAD 0.00001 and 0.00003; TOPMed 0.00002; gnomAD exomes 0.00010; ExAC 0.00013; 1000 Genomes Project 30x 0.00016; 1000 Genomes Project 0.00020.
gnomAD v4.1: 91 of 1,604,752 alleles (0.0057%); highest among the groups gnomAD compares: Middle Eastern, 0.13%; no homozygotes.

Submissions (4):

Ambry Genetics
Classification: Uncertain significance for Inborn genetic diseases. Last evaluated: 2025-03-19. Review status: criteria provided, single submitter. Criteria: Ambry Variant Classification Scheme 2023. Collection method: clinical testing. Allele origin: germline.

Blueprint Genetics
Classification: Uncertain significance. Last evaluated: 2024-10-17. Review status: criteria provided, single submitter. Criteria: ACMG Guidelines, 2015. Collection method: clinical testing. Allele origin: germline.

Labcorp Genetics (formerly Invitae), Labcorp
Classification: Uncertain significance for Joubert syndrome 23; Short-rib thoracic dysplasia 14 with polydactyly. Last evaluated: 2022-08-23. Review status: criteria provided, single submitter. Criteria: Invitae Variant Classification Sherloc (09022015). Collection method: clinical testing. Allele origin: germline.
Comment: This sequence change replaces leucine, which is neutral and non-polar, with glutamine, which is neutral and polar, at codon 988 of the KIAA0586 protein (p.Leu988Gln). This variant is present in population databases (rs537951340, gnomAD 0.06%). This variant has not been reported in the literature in individuals affected with KIAA0586-related conditions. ClinVar contains an entry for this variant (Variation ID: 475445). Algorithms developed to predict the effect of missense changes on protein structure and function are either unavailable or do not agree on the potential impact of this missense change (SIFT: "Deleterious"; PolyPhen-2: "Probably Damaging"; Align-GVGD: "Class C0"). In summary, the available evidence is currently insufficient to determine the role of this variant in disease. Therefore, it has been classified as a Variant of Uncertain Significance.

GeneDx
Classification: Uncertain significance. Last evaluated: 2022-03-07. Review status: criteria provided, single submitter. Criteria: GeneDx Variant Classification Process June 2021. Collection method: clinical testing. Allele origin: germline. Affected: yes.
Comment: In silico analysis supports that this missense variant has a deleterious effect on protein structure/function; Has not been previously published as pathogenic or benign to our knowledge

NM_001329943.3(KIAA0586):c.2804T>A (p.Leu935Gln)

Gene: KIAA0586 (KIAA0586; plus strand). Cytogenetic location: 14q23.1.
Variant type: single nucleotide variant.
Coding change: c.2804T>A on transcript NM_001329943.3 (MANE Select); coding-DNA position 2804, T replaced by A.
Protein change: p.Leu935Gln; replaces leucine 935 with glutamine.
Molecular consequence: missense variant.
Genome position (GRCh38, 1-based): chr14:58,474,776, T>A. VCF-style: chr14-58474776-T-A. GRCh37 (hg19) VCF-style: chr14-58941494-T-A.
Other names: c.2963T>A, p.Leu988Gln (NM_001244189.2); c.2759T>A, p.Leu920Gln (NM_001244190.2); c.2549T>A, p.Leu850Gln (NM_001244191.2, NM_001329945.2, NM_001364700.1 and 1 more transcripts); c.2672T>A, p.Leu891Gln (NM_001244192.2); c.2384T>A, p.Leu795Gln (NM_001244193.2); c.2804T>A, p.Leu935Gln (NM_001329944.2, NM_001329946.2, NM_001329947.2); c.2576T>A, p.Leu859Gln (NM_014749.5); c.2576T>A (NM_014749.3); short protein forms L859Q, L988Q, L891Q, L850Q, L795Q, L920Q, L935Q.
Identifiers: ClinVar variation 475445 (VCV000475445.7), dbSNP rs537951340, ClinGen allele CA7205970.